The following is an entry in ClinVar:

NM_014874.4(MFN2):c.176-3C>T

Gene: MFN2 (mitofusin 2; plus strand). Cytogenetic location: 1p36.22.
Variant type: single nucleotide variant.
Coding change: c.176-3C>T on transcript NM_014874.4 (MANE Select); 3 bases into the intron before coding-DNA position 176, C replaced by T.
Molecular consequence: intron variant.
Genome position (GRCh38, 1-based): chr1:11,992,552, C>T. VCF-style: chr1-11992552-C-T. GRCh37 (hg19) VCF-style: chr1-12052609-C-T.
Other names: c.176-3C>T (NM_001127660.2).
Identifiers: ClinVar variation 917368 (VCV000917368.5), dbSNP rs975369655, ClinGen allele CA18038609.

ClinVar aggregate classification (germline): Uncertain significance. Review status: criteria provided, multiple submitters, no conflicts (2 of 4 stars). 5 submissions from 3 submitters: Uncertain significance (5). Last evaluated 2024-01-22.

Conditions:
Charcot-Marie-Tooth disease. Also called: Charcot-Marie-Tooth Hereditary Neuropathy; Charcot-Marie-Tooth Neuropathy. Identifiers: Orphanet 166, MedGen C0007959, MONDO:0015626.
Neuropathy, hereditary motor and sensory, type 6A (HMSN6A). Also called: NEUROPATHY, HEREDITARY MOTOR AND SENSORY, TYPE VIA; HMSN VIA; CHARCOT-MARIE-TOOTH DISEASE, TYPE 6A; NEUROPATHY, HEREDITARY MOTOR AND SENSORY, TYPE VIA, WITH OPTIC ATROPHY. Identifiers: MedGen CN305336, MONDO:0011002, OMIM 601152.
Charcot-Marie-Tooth disease, axonal, autosomal recessive, type 2a2b;. Also called: Charcot-Marie-Tooth disease, axonal, type 2A2B; Charcot-Marie-Tooth disease, axonal, autosomal recessive, type 2A2B. Identifiers: MedGen C4310725, MONDO:0014906, OMIM 617087.
Charcot-Marie-Tooth disease type 2. Also called: Charcot-Marie-Tooth type 2. Identifiers: Orphanet 64746, MedGen C0270914, MONDO:0018993.
Charcot-Marie-Tooth disease type 2A2. Also called: CHARCOT-MARIE-TOOTH DISEASE, AXONAL, AUTOSOMAL DOMINANT, TYPE 2A2A; HEREDITARY MOTOR AND SENSORY NEUROPATHY IIA2; HMSN IIA2; CHARCOT-MARIE-TOOTH DISEASE, AXONAL, TYPE 2A2; CHARCOT-MARIE-TOOTH DISEASE, NEURONAL, TYPE 2A2; Charcot-Marie-Tooth Neuropathy Type 2A2. Identifiers: Orphanet 99947, MedGen C4721887, MONDO:0012231, OMIM 609260.

Allele frequency attached by ClinVar (database versions not stated): TOPMed below 0.00001; gnomAD exomes below 0.00001.
gnomAD v4.1: 1 of 1,614,182 alleles (0.000062%); highest among the groups gnomAD compares: Non-Finnish European, 0.000085%; no homozygotes.

Submissions (5):

Baylor Genetics
Classification: Uncertain significance for Charcot-Marie-Tooth disease, axonal, autosomal recessive, type 2a2b;. Last evaluated: 2024-01-22. Review status: criteria provided, single submitter. Criteria: ACMG Guidelines, 2015. Collection method: clinical testing. Allele origin: unknown.

Baylor Genetics
Classification: Uncertain significance for Neuropathy, hereditary motor and sensory, type 6A. Last evaluated: 2024-01-22. Review status: criteria provided, single submitter. Criteria: ACMG Guidelines, 2015. Collection method: clinical testing. Allele origin: unknown.

Baylor Genetics
Classification: Uncertain significance for Charcot-Marie-Tooth disease type 2A2. Last evaluated: 2024-01-22. Review status: criteria provided, single submitter. Criteria: ACMG Guidelines, 2015. Collection method: clinical testing. Allele origin: unknown.

Labcorp Genetics (formerly Invitae), Labcorp
Classification: Uncertain significance for Charcot-Marie-Tooth disease type 2. Last evaluated: 2023-12-20. Review status: criteria provided, single submitter. Criteria: Invitae Variant Classification Sherloc (09022015). Collection method: clinical testing. Allele origin: germline.
Comment: This sequence change falls in intron 3 of the MFN2 gene. It does not directly change the encoded amino acid sequence of the MFN2 protein. It affects a nucleotide within the consensus splice site. This variant is not present in population databases (gnomAD no frequency). This variant has been observed in individual(s) with Charcot-Marie-Tooth disease (PMID: 32376792). ClinVar contains an entry for this variant (Variation ID: 917368). Variants that disrupt the consensus splice site are a relatively common cause of aberrant splicing (PMID: 17576681, 9536098). Algorithms developed to predict the effect of sequence changes on RNA splicing suggest that this variant is not likely to affect RNA splicing. In summary, the available evidence is currently insufficient to determine the role of this variant in disease. Therefore, it has been classified as a Variant of Uncertain Significance.

Molecular Genetics Laboratory, London Health Sciences Centre
Classification: Uncertain significance for Charcot-Marie-Tooth disease. Review status: criteria provided, single submitter. Criteria: ACMG Guidelines, 2015. Collection method: clinical testing. Allele origin: germline. Affected: yes.

Literature cited by the submitters: PubMed 32376792 (cited by Labcorp Genetics (formerly Invitae), Labcorp); PubMed 17576681 (cited by Labcorp Genetics (formerly Invitae), Labcorp); PubMed 9536098 (cited by Labcorp Genetics (formerly Invitae), Labcorp).